The following is an entry in ClinVar:

ClinVar aggregate classification (germline): Uncertain significance (1 of 4 stars; one submission).

Submission:

Labcorp Genetics (formerly Invitae), Labcorp
Classification: Uncertain significance. Last evaluated: 2021-02-02. Review status: criteria provided, single submitter. Criteria: Invitae Variant Classification Sherloc (09022015). Collection method: clinical testing. Allele origin: germline.
Comment: This variant is not present in population databases (ExAC no frequency). In summary, the available evidence is currently insufficient to determine the role of this variant in disease. Therefore, it has been classified as a Variant of Uncertain Significance. Algorithms developed to predict the effect of missense changes on protein structure and function are either unavailable or do not agree on the potential impact of this missense change (SIFT: "Tolerated"; PolyPhen-2: "Probably Damaging"; Align-GVGD: "Class C0"). This variant has not been reported in the literature in individuals with KMT2C-related conditions. This sequence change replaces proline with serine at codon 3950 of the KMT2C protein (p.Pro3950Ser). The proline residue is highly conserved and there is a moderate physicochemical difference between proline and serine.

NM_170606.3(KMT2C):c.11848C>T (p.Pro3950Ser)

Gene: KMT2C (lysine methyltransferase 2C; minus strand). Cytogenetic location: 7q36.1.
Variant type: single nucleotide variant.
Coding change: c.11848C>T on transcript NM_170606.3 (MANE Select); coding-DNA position 11848, C replaced by T.
Protein change: p.Pro3950Ser; replaces proline 3950 with serine.
Molecular consequence: missense variant.
Genome position (GRCh38, 1-based): chr7:152,156,022, G>A on the plus strand (C>T on the coding strand, the complement: KMT2C is on the minus strand). VCF-style: chr7-152156022-G-A. GRCh37 (hg19) VCF-style: chr7-151853107-G-A.
Other names: short protein forms P3950S.
Identifiers: ClinVar variation 1472435 (VCV001472435.8), dbSNP rs2092022651, ClinGen allele CA370097714.